The following is an entry in ClinVar:

ClinVar aggregate classification (germline): Likely pathogenic (1 of 4 stars; one submission).

Allele frequency attached by ClinVar (database versions not stated): gnomAD exomes below 0.00001; ExAC 0.00002.
gnomAD v4.1: 2 of 1,598,594 alleles (0.00013%); highest among the groups gnomAD compares: Non-Finnish European, 0.00017%; no homozygotes.

Submission:

Labcorp Genetics (formerly Invitae), Labcorp
Classification: Likely pathogenic. Last evaluated: 2024-04-17. Review status: criteria provided, single submitter. Criteria: Invitae Variant Classification Sherloc (09022015). Collection method: clinical testing. Allele origin: germline.
Comment: This sequence change affects an acceptor splice site in intron 47 of the VPS13C gene. It is expected to disrupt RNA splicing. Variants that disrupt the donor or acceptor splice site typically lead to a loss of protein function (PMID: 16199547), and loss-of-function variants in VPS13C are known to be pathogenic (PMID: 26942284, 34875562). This variant is present in population databases (rs777937352, gnomAD 0.002%). This variant has not been reported in the literature in individuals affected with VPS13C-related conditions. ClinVar contains an entry for this variant (Variation ID: 2003220). Algorithms developed to predict the effect of sequence changes on RNA splicing suggest that this variant may disrupt the consensus splice site. In summary, the currently available evidence indicates that the variant is pathogenic, but additional data are needed to prove that conclusively. Therefore, this variant has been classified as Likely Pathogenic.

Literature cited by the submitters: PubMed 16199547; PubMed 26942284; PubMed 34875562.

NM_020821.3(VPS13C):c.5602-2A>G

Gene: VPS13C (vacuolar protein sorting 13 homolog C; minus strand). Cytogenetic location: 15q22.2.
Variant type: single nucleotide variant.
Coding change: c.5602-2A>G on transcript NM_020821.3 (MANE Select); the canonical splice acceptor site of the intron before coding-DNA position 5602, A replaced by G.
Molecular consequence: splice acceptor variant.
Genome position (GRCh38, 1-based): chr15:61,936,752, T>C on the plus strand (A>G on the coding strand, the complement: VPS13C is on the minus strand). VCF-style: chr15-61936752-T-C. GRCh37 (hg19) VCF-style: chr15-62228951-T-C.
Other names: c.5473-2A>G (NM_017684.5, NM_018080.4); c.5602-2A>G (NM_001018088.3).
Identifiers: ClinVar variation 2003220 (VCV002003220.4), dbSNP rs777937352, ClinGen allele CA7595775.
Genomic context (GRCh38, chr15:61,936,752, plus strand): 5'-CCAAGATTTTCTAGCAAAATTTTCATTAAAACTGTCAAGTCATCTTCACTGAGAGCAACC[T>C]AGAAACCACCAATAATTTGTTAACTCTAAGTAATAAAAAAAATGTAGACTATCATATCTA-3'